The following is an entry in ClinVar:

NM_024675.4(PALB2):c.3549C>G (p.Tyr1183Ter)

Gene: PALB2 (partner and localizer of BRCA2; minus strand). Cytogenetic location: 16p12.2.
Variant type: single nucleotide variant.
Coding change: c.3549C>G on transcript NM_024675.4 (MANE Select); coding-DNA position 3549, C replaced by G.
Protein change: p.Tyr1183Ter; replaces tyrosine 1183 with a stop codon.
Molecular consequence: nonsense.
Genome position (GRCh38, 1-based): chr16:23,603,471, G>C on the plus strand (C>G on the coding strand, the complement: PALB2 is on the minus strand). VCF-style: chr16-23603471-G-C. GRCh37 (hg19) VCF-style: chr16-23614792-G-C.
Other names: p.Y1183*:TAC>TAG; short protein forms Y1183*.
Identifiers: ClinVar variation 1245 (VCV000001245.62), dbSNP rs118203998, ClinGen allele CA151250.

ClinVar aggregate classification (germline): Pathogenic/Likely pathogenic. Review status: criteria provided, multiple submitters, no conflicts (2 of 4 stars). 31 submissions from 28 submitters: Pathogenic (22); Likely pathogenic (3). 6 of the submissions do not count toward it. Last evaluated 2026-08-12.

Conditions:
PALB2-related cancer predisposition. Identifiers: MedGen CN377761, MONDO:0700272.
Breast-ovarian cancer, familial, susceptibility to, 5 (BROVCA5). Identifiers: MedGen C5830615, MONDO:0957530, OMIM 620442.
Inherited breast cancer and ovarian cancer.
PALB2-related disorder. Also called: PALB2-related disorders; PALB2-related condition.
Hereditary cancer-predisposing syndrome. Also called: Neoplastic Syndromes, Hereditary; Tumor predisposition; Hereditary neoplastic syndrome; Hereditary Cancer Syndrome. Identifiers: Orphanet 140162, MedGen C0027672, MeSH D009386, MONDO:0015356.
Hereditary breast ovarian cancer syndrome. Also called: Hereditary breast and ovarian cancer; Hereditary breast and/or ovarian cancer syndrome; Hereditary breast and ovarian cancer syndrome; Hereditary breast and ovarian cancer syndrome (HBOC); BRCA1- and BRCA2-Associated Hereditary Breast and Ovarian Cancer; Breast and ovarian cancer. Identifiers: Orphanet 145, MedGen C0677776, MeSH D061325, MONDO:0003582. Disease mechanism: loss of function.
Familial cancer of breast. Also called: hereditary breast carcinoma; Hereditary breast cancer; BREAST CANCER, FAMILIAL. Identifiers: Orphanet 227535, MedGen C0346153, MONDO:0016419, OMIM 114480. Disease mechanism: loss of function.
Fanconi anemia complementation group N. Also called: PALB2-Related Fanconi Anemia. Identifiers: Orphanet 84, MedGen C1835817, MONDO:0012565, OMIM 610832. Disease mechanism: loss of function.
Pancreatic cancer, susceptibility to, 3. Identifiers: Orphanet 1333, MedGen C3150547, MONDO:0013236, OMIM 613348.

Allele frequency attached by ClinVar (database versions not stated): gnomAD 0.00001; ExAC 0.00002.
gnomAD v4.1: 59 of 1,612,000 alleles (0.0037%); highest among the groups gnomAD compares: Non-Finnish European, 0.0048%; no homozygotes.

Submissions 1 to 8 of 31:

Genetics Laboratory, Great Ormond Street Hospital NHS Foundation Trust, North Thames Genomic Laboratory Hub
Classification: Pathogenic for Inherited breast cancer and ovarian cancer. Last evaluated: 2026-08-12. Review status: criteria provided, single submitter. Criteria: CanVIG PALB2 Gene Specific V1.2. Collection method: clinical testing. Allele origin: germline. Affected: yes.
Comment: PVS1_very-strong, PM5_supporting, PM3_moderate

Labcorp Genetics (formerly Invitae), Labcorp
Classification: Pathogenic for Familial cancer of breast. Last evaluated: 2026-01-26. Review status: criteria provided, single submitter. Criteria: Invitae Variant Classification Sherloc (09022015). Collection method: clinical testing. Allele origin: germline.
Comment: This sequence change creates a premature translational stop signal (p.Tyr1183*) in the PALB2 gene. While this is not anticipated to result in nonsense mediated decay, it is expected to disrupt the last 4 amino acid(s) of the PALB2 protein. This variant is present in population databases (rs118203998, gnomAD 0.004%). This premature translational stop signal has been observed in individual(s) with breast, ovarian and pancreatic cancer, and Fanconi anemia (PMID: 17200668, 17200671, 21365267, 22241545, 26315354). ClinVar contains an entry for this variant (Variation ID: 1245). Algorithms developed to predict the effect of variants on gene product structure and function are not available or were not evaluated for this variant. Experimental studies have shown that this premature translational stop signal affects PALB2 function (PMID: 17200671, 19609323). For these reasons, this variant has been classified as Pathogenic.

Cambridge Genomics Laboratory, East Genomic Laboratory Hub, NHS Genomic Medicine Service
Classification: Pathogenic for Inherited breast cancer and ovarian cancer. Last evaluated: 2025-09-12. Review status: criteria provided, single submitter. Criteria: ACGS Best Practice Guidelines for Variant Classification in Rare Disease 2020. Collection method: clinical testing. Allele origin: germline. Affected: yes.
Comment: PVS1,PM3

Institute for Genomic Medicine (IGM) Clinical Laboratory, Nationwide Children's Hospital
Classification: Pathogenic for PALB2-related cancer predisposition. Last evaluated: 2025-08-07. Review status: criteria provided, single submitter. Criteria: ACMG Guidelines, 2015. Collection method: clinical testing. Allele origin: germline.
Comment: This variant is predicted to result in loss of function through nonsense-mediated decay of the encoded transcript or premature truncation of the encoded protein in a gene in which loss of function is a known mechanism of disease (ACMG/AMP: PVS1_Strong; PMIDs:25099575, 21285249). Well-established functional studies have demonstrated this variant to have a damaging effect on protein function or splicing (ACMG/AMP: PS3; PMIDs:19609323, 17200671, 31757951). This variant has been reported at an elevated frequency in affected individuals/in multiple affected individuals in the literature (ACMG/AMP: PS4; PMIDs:17200671, 34113003, 32546565, 32339256, 32012241, 31841383, 22241545, 26283626, 25099575, 24949998, 17200668, 20927582, 28008555). This variant has been shown to segregate with disease in multiple affected family members (ACMG/AMP: PP1; PMIDs:22241545, 25099575, 26296701, 21365267).

Quest Diagnostics Nichols Institute San Juan Capistrano
Classification: Pathogenic. Last evaluated: 2025-03-13. Review status: criteria provided, single submitter. Criteria: Quest Diagnostics criteria. Collection method: clinical testing. Allele origin: unknown.
Comment: The PALB2 c.3549C>G (p.Tyr1183*) variant causes the premature termination of PALB2 protein synthesis. This variant has been reported in the published literature in individuals Fanconi anemia (PMID: 38476606 (2024), 17200671 (2007)), breast cancer (PMID: 17200668 (2007), 20927582 (2011), 22241545 (2012)), pancreatic cancer (PMID: 29360161 (2018)), and medulloblastoma (PMID: 29753700 (2018)). Functional studies demonstrated that this variant had a damaging effect on protein function (PMID: 19609323 (2009), 31757951 (2019), 17200671 (2007)). The frequency of this variant in the general population (Genome Aggregation Database) is consistent with pathogenicity. Based on the available information, this variant is classified as pathogenic.

Genomics and Molecular Medicine Service, East Genomic Laboratory Hub, NHS Genomic Medicine Service
Classification: Pathogenic for Inherited breast cancer and ovarian cancer. Last evaluated: 2024-11-19. Review status: criteria provided, single submitter. Criteria: ACGS Best Practice Guidelines for Variant Classification in Rare Disease 2020. Collection method: clinical testing. Allele origin: germline. Affected: yes.
Comment: PVS1,PM3,PM5_Supporting

Ambry Genetics
Classification: Pathogenic for Hereditary cancer-predisposing syndrome. Last evaluated: 2024-10-11. Review status: criteria provided, single submitter. Criteria: Ambry Variant Classification Scheme 2023. Collection method: clinical testing. Allele origin: germline.
Comment: The p.Y1183* pathogenic mutation (also known as c.3549C>G), located in coding exon 13 of the PALB2 gene, results from a C to G substitution at nucleotide position 3549. This changes the amino acid from a tyrosine to a stop codon within coding exon 13. This alteration occurs at the 3' terminus of PALB2 gene, is not expected to trigger nonsense-mediated mRNA decay, and only impacts the last four amino acids of the protein. However, premature stop codons are typically deleterious in nature and the impacted region is critical for protein function (Ambry internal data). This alteration has been identified in numerous individuals diagnosed with breast, pancreatic and ovarian cancers (Rahman N et al. Nat. Genet. 2007 Feb;39:165-7; Jones S et al. Science. 2009 Apr;324:217; Hofstatter EW et al. Fam. Cancer. 2011 Jun;10:225-31; Tischkowitz M et al. Hum. Mutat. 2012 Apr;33:674-80; Couch FJ et al. J Clin Oncol. 2015 Feb;33:304-11; Susswein LR et al. Genet. Med. 2016 Aug;18:823-32; Shirts BH et al. Genet Med. 2016 10;18:974-81; Pritzlaff M et al. Breast Cancer Res. Treat. 2017 Feb;161:575-586; Dudley B et al. Cancer. 2018 Apr;124:1691-1700; Carter NJ et al. Gynecol Oncol. 2018 12;151:481-488; Woodward ER et al. Genet Med. 2021 Jun;:). In one study, an individual with clinical features of Fanconi Anemia-N (FA-N) who carried p.Y1183* in conjunction with a PALB2 frameshift mutation was found to have no detectable PALB2 protein in lymphoblastoid cells (Reid S et al. Nat. Genet. 2007 Feb;39:162-4). In addition to the clinical data presented in the literature, this alteration is expected to result in loss of function by premature protein truncation. As such, this alteration is interpreted as a disease-causing mutation.

Victorian Clinical Genetics Services, Murdoch Childrens Research Institute
Classification: Pathogenic for Fanconi anemia complementation group N. Last evaluated: 2024-10-10. Review status: criteria provided, single submitter. Criteria: ACMG Guidelines, 2015. Collection method: clinical testing. Allele origin: germline. Inheritance: Autosomal recessive inheritance.
Comment: Based on the classification scheme VCGS_Germline_v1.3.4, this variant is classified as Pathogenic. Following criteria are met: 0102 - Loss of function is a known mechanism of disease in this gene and is associated with fanconi anaemia, complementation group N (MIM#610832). (I) 0108 - This gene is associated with both recessive and dominant disease. Biallelic variants in this gene are associated with fanconi anaemia, complementation group N (MIM#610832), while monoallelic variants are associated with susceptibilities to breast cancer (MIM#114480) and pancreatic cancer 3 (MIM#613348). (I) 0205 - Variant is predicted to result in a truncated protein (premature termination codon is NOT located at least 54 nucleotides upstream of the final exon-exon junction) with less than 1/3 of the protein sequence affected. (SP) 0251 - This variant is heterozygous. (I) 0304 - Variant is present in gnomAD <0.01 (c.3549C>G and c.3549C>A, v2: 5 heterozygotes, 0 homozygotes). (SP) 0600 - Variant is located in the annotated PALB2_WD40 domain (DECIPHER). (I) 0801 - This variant has strong previous evidence of pathogenicity in unrelated individuals. This variant, and another alternative nucleotide change (c.3549C>A) with the same amino acid change have been reported as pathogenic by many clinical testing laboratories (ClinVar). They have also been reported as compound heterozygous in unrelated individuals with Fanconi anaemia subtype FA-N (PMID: 17200671). (SP) 1208 - Inheritance information for this variant is not currently available in this individual. (I) Legend: (SP) - Supporting pathogenic, (I) - Information, (SB) - Supporting benign